The following is an entry in ClinVar:

ClinVar aggregate classification (germline): Uncertain significance (0 of 4 stars; one submission).

Conditions:
IQSEC2-related disorder. Also called: IQSEC2-related condition.

Submission:

PreventionGenetics, part of Exact Sciences
Classification: Uncertain significance for IQSEC2-related condition. Last evaluated: 2024-05-08. Review status: no assertion criteria provided. Collection method: clinical testing. Allele origin: germline.
Comment: The IQSEC2 c.608G>A variant is predicted to result in the amino acid substitution p.Gly203Asp. To our knowledge, this variant has not been reported in the literature or in a large population database, indicating this variant is rare. At this time, the clinical significance of this variant is uncertain due to the absence of conclusive functional and genetic evidence.

NM_001111125.3(IQSEC2):c.608G>A (p.Gly203Asp)

Gene: IQSEC2 (IQ motif and Sec7 domain ArfGEF 2; minus strand). Cytogenetic location: Xp11.22.
Variant type: single nucleotide variant.
Coding change: c.608G>A on transcript NM_001111125.3 (MANE Select); coding-DNA position 608, G replaced by A.
Protein change: p.Gly203Asp; replaces glycine 203 with aspartic acid.
Molecular consequence: missense variant.
Genome position (GRCh38, 1-based): chrX:53,320,516, C>T on the plus strand (G>A on the coding strand, the complement: IQSEC2 is on the minus strand). VCF-style: chrX-53320516-C-T. GRCh37 (hg19) VCF-style: chrX-53349714-C-T.
Other names: c.608G>A, p.Gly203Asp (NM_001410736.1); short protein forms G203D.
Identifiers: ClinVar variation 3346045 (VCV003346045.1).
Genomic context (GRCh38, chrX:53,320,516, plus strand): 5'-GTGCTGTGGCCTCCGCCGGCGCCGGGACTGGAGCTCCTGGATGCGCCACGGCTCAGCTGG[C>T]CCCGCTCCCGCGGTGGCCGCGGCCCCACGCCCACCGCCGCCGAATAGCCCGCTTCCTTCT-3'
Protein context (NP_001104595.1, residues 193-213): GVGPRPPRER[Gly203Asp]QLSRGASRSS